The following is an entry in ClinVar:

NM_001005273.3(CHD3):c.4166G>C (p.Arg1389Pro)

Gene: CHD3 (chromodomain helicase DNA binding protein 3; plus strand). Cytogenetic location: 17p13.1.
Variant type: single nucleotide variant.
Coding change: c.4166G>C on transcript NM_001005273.3 (MANE Select); coding-DNA position 4166, G replaced by C.
Protein change: p.Arg1389Pro; replaces arginine 1389 with proline.
Molecular consequence: missense variant.
Genome position (GRCh38, 1-based): chr17:7,905,648, G>C. VCF-style: chr17-7905648-G-C. GRCh37 (hg19) VCF-style: chr17-7808966-G-C.
Other names: c.4343G>C, p.Arg1448Pro (NM_001005271.3); c.4166G>C, p.Arg1389Pro (NM_005852.4); short protein forms R1389P, R1448P.
Identifiers: ClinVar variation 3907992 (VCV003907992.1).

ClinVar aggregate classification (germline): Uncertain significance (1 of 4 stars; one submission).

Submission:

GeneDx
Classification: Uncertain significance. Last evaluated: 2024-12-29. Review status: criteria provided, single submitter. Criteria: GeneDx Variant Classification Process June 2021. Collection method: clinical testing. Allele origin: germline. Affected: yes.
Comment: Not observed at significant frequency in large population cohorts (gnomAD); In silico analysis supports that this missense variant has a deleterious effect on protein structure/function; Has not been previously published as pathogenic or benign to our knowledge